The following is an entry in ClinVar:

NM_005458.8(GABBR2):c.2669G>A (p.Arg890His)

Gene: GABBR2 (gamma-aminobutyric acid type B receptor subunit 2; minus strand). Cytogenetic location: 9q22.33.
Variant type: single nucleotide variant.
Coding change: c.2669G>A on transcript NM_005458.8 (MANE Select); coding-DNA position 2669, G replaced by A.
Protein change: p.Arg890His; replaces arginine 890 with histidine.
Molecular consequence: missense variant.
Genome position (GRCh38, 1-based): chr9:98,290,741, C>T on the plus strand (G>A on the coding strand, the complement: GABBR2 is on the minus strand). VCF-style: chr9-98290741-C-T. GRCh37 (hg19) VCF-style: chr9-101053023-C-T.
Other names: short protein forms R890H.
Identifiers: ClinVar variation 1307557 (VCV001307557.10), dbSNP rs1430192079, ClinGen allele CA374209892.

ClinVar aggregate classification (germline): Conflicting classifications of pathogenicity. Review status: criteria provided, conflicting classifications (1 of 4 stars). 3 submissions from 3 submitters: Uncertain significance (2); Likely benign (1). Last evaluated 2026-01-01.

Conditions:
Epileptic encephalopathy. Identifiers: MedGen C0543888, HP:0200134.

Allele frequency attached by ClinVar (database versions not stated): gnomAD 0.00001; gnomAD exomes 0.00001; TOPMed 0.00002.
gnomAD v4.1: 13 of 1,483,310 alleles (0.00088%); highest among the groups gnomAD compares: Non-Finnish European, 0.0012%; no homozygotes.

Submissions (3):

CeGaT Center for Human Genetics Tuebingen
Classification: Likely benign. Last evaluated: 2026-01-01. Review status: criteria provided, single submitter. Criteria: CeGaT Center For Human Genetics Tuebingen Variant Classification Criteria Version 2. Collection method: clinical testing. Allele origin: germline. Affected: yes. Observed: 1 variant allele.
Comment: GABBR2: PP3, BS2

Labcorp Genetics (formerly Invitae), Labcorp
Classification: Uncertain significance for Epileptic encephalopathy. Last evaluated: 2024-08-06. Review status: criteria provided, single submitter. Criteria: Invitae Variant Classification Sherloc (09022015). Collection method: clinical testing. Allele origin: germline.
Comment: This sequence change replaces arginine, which is basic and polar, with histidine, which is basic and polar, at codon 890 of the GABBR2 protein (p.Arg890His). The frequency data for this variant in the population databases is considered unreliable, as metrics indicate poor data quality at this position in the gnomAD database. This variant has not been reported in the literature in individuals affected with GABBR2-related conditions. ClinVar contains an entry for this variant (Variation ID: 1307557). An algorithm developed to predict the effect of missense changes on protein structure and function (PolyPhen-2) suggests that this variant is likely to be disruptive. In summary, the available evidence is currently insufficient to determine the role of this variant in disease. Therefore, it has been classified as a Variant of Uncertain Significance.

GeneDx
Classification: Uncertain significance. Last evaluated: 2019-08-06. Review status: criteria provided, single submitter. Criteria: GeneDx Variant Classification Process June 2021. Collection method: clinical testing. Allele origin: germline. Affected: yes.
Comment: In silico analysis, which includes protein predictors and evolutionary conservation, supports that this variant does not alter protein structure/function; Has not been previously published as pathogenic or benign to our knowledge